The following is an entry in ClinVar:

ClinVar aggregate classification (germline): Pathogenic/Likely pathogenic. Review status: criteria provided, multiple submitters, no conflicts (2 of 4 stars). 5 submissions from 5 submitters: Pathogenic (2); Likely pathogenic (2). 1 of the submissions does not count toward it. Last evaluated 2026-07-21.

Conditions:
Inborn genetic diseases. Identifiers: MedGen C0950123, MeSH D030342.
Testosterone 17-beta-dehydrogenase deficiency. Also called: Neutral 17 beta hydroxysteroid oxidoreductase deficiency; Male pseudoherma-phroditism with gynecomastia; 17-beta hydroxysteroid dehydrogenase 3 deficiency; 17 alpha ketosteroid reductase deficiency of testis; 17 alpha KSR deficiency; Pseudohermaphroditism male with gynecomastia. Identifiers: Orphanet 752, MedGen C0268296, MONDO:0009916, OMIM 264300. Disease mechanism: loss of function.
Pseudohermaphroditism. Identifiers: MedGen C0033804, MONDO:0005518.

Allele frequency attached by ClinVar (database versions not stated): TOPMed 0.00002; ExAC 0.00005; gnomAD 0.00005; ESP Exome Variant Server 0.00008.
gnomAD v4.1: 35 of 1,613,920 alleles (0.0022%); highest among the groups gnomAD compares: African/African-American, 0.013%; no homozygotes.

Submissions (5):

GeneDx
Classification: Pathogenic. Last evaluated: 2026-07-21. Review status: criteria provided, single submitter. Criteria: GeneDx Variant Classification Process June 2021. Collection method: clinical testing. Allele origin: germline.
Comment: Published functional studies demonstrate a damaging effect with near complete enzyme inactivation (PMID: 8550739); In silico analysis supports that this missense variant has a deleterious effect on protein structure/function; This variant is associated with the following publications: (PMID: 18296911, 34426522, 31589614, 38719349, 8550739, 10599740, 39782875, 18406282, 25740850, 36606580, 20689261, EditorLetter_Bel_2003)

Women's Health and Genetics/Laboratory Corporation of America, LabCorp
Classification: Likely pathogenic for Testosterone 17-beta-dehydrogenase deficiency. Last evaluated: 2024-06-26. Review status: criteria provided, single submitter. Criteria: LabCorp Variant Classification Summary - May 2015. Collection method: clinical testing. Allele origin: germline.
Comment: Variant summary: HSD17B3 c.845C>T (p.Pro282Leu) results in a non-conservative amino acid change in the encoded protein sequence. Five of five in-silico tools predict a damaging effect of the variant on protein function. The variant allele was found at a frequency of 3.2e-05 in 250756 control chromosomes. c.845C>T has been reported in the literature in compound heterozygous individuals affected with Testosterone 17-beta-dehydrogenase deficiency (Andersson_1996, Boehmer_1999, Phelan_2015). These data indicate that the variant may be associated with disease. At least one publication reports experimental evidence evaluating an impact on protein function. The most pronounced variant effect results in <10% of normal activity in an in vitro assay (Andersson_1996). The following publications have been ascertained in the context of this evaluation (PMID: 8550739, 10599740, 25740850). ClinVar contains an entry for this variant (Variation ID: 265484). Based on the evidence outlined above, the variant was classified as likely pathogenic.

Labcorp Genetics (formerly Invitae), Labcorp
Classification: Likely pathogenic. Last evaluated: 2023-10-22. Review status: criteria provided, single submitter. Criteria: Invitae Variant Classification Sherloc (09022015). Collection method: clinical testing. Allele origin: germline.
Comment: This sequence change replaces proline, which is neutral and non-polar, with leucine, which is neutral and non-polar, at codon 282 of the HSD17B3 protein (p.Pro282Leu). This variant is present in population databases (rs144809928, gnomAD 0.03%). This missense change has been observed in individuals with autosomal recessive 17-beta hydroxysteroid dehydrogenase 3 deficiency (PMID: 8550739, 10599740, 25740850). ClinVar contains an entry for this variant (Variation ID: 265484). Advanced modeling of protein sequence and biophysical properties (such as structural, functional, and spatial information, amino acid conservation, physicochemical variation, residue mobility, and thermodynamic stability) has been performed at Invitae for this missense variant, however the output from this modeling did not meet the statistical confidence thresholds required to predict the impact of this variant on HSD17B3 protein function. Experimental studies have shown that this missense change affects HSD17B3 function (PMID: 8550739). In summary, the currently available evidence indicates that the variant is pathogenic, but additional data are needed to prove that conclusively. Therefore, this variant has been classified as Likely Pathogenic.

Ambry Genetics
Classification: Pathogenic for Inborn genetic diseases. Last evaluated: 2019-09-30. Review status: criteria provided, single submitter. Criteria: Ambry exome assertion method (8-5-2015). Collection method: clinical testing. Allele origin: germline. Affected: yes. Observed: 1 variant allele.

Clinical Molecular Genetics Laboratory, Johns Hopkins All Children's Hospital
Classification: Pathogenic for Pseudohermaphroditism. Last evaluated: 2005-02-01. Review status: no assertion criteria provided. Collection method: clinical testing. Allele origin: germline. Affected: yes. Not counted in ClinVar's aggregate classification.

Literature cited by the submitters: PubMed 31589614 (cited by Women's Health and Genetics/Laboratory Corporation of America, LabCorp); PubMed 8550739 (cited by 3 submitters); PubMed 10599740 (cited by 3 submitters); PubMed 25740850 (cited by 3 submitters).

NM_000197.2(HSD17B3):c.845C>T (p.Pro282Leu)

Genes: HSD17B3 (hydroxysteroid 17-beta dehydrogenase 3; minus strand), SLC35D2-HSD17B3 (SLC35D2-HSD17B3 readthrough; minus strand). Cytogenetic location: 9q22.32.
Variant type: single nucleotide variant.
Coding change: c.845C>T on transcript NM_000197.2 (MANE Select); coding-DNA position 845, C replaced by T.
Protein change: p.Pro282Leu; replaces proline 282 with leucine.
Molecular consequence: missense variant.
Genome position (GRCh38, 1-based): chr9:96,235,548, G>A on the plus strand (C>T on the coding strand, the complement: HSD17B3 is on the minus strand). VCF-style: chr9-96235548-G-A. GRCh37 (hg19) VCF-style: chr9-98997830-G-A.
Other names: short protein forms P282L.
Identifiers: ClinVar variation 265484 (VCV000265484.11), dbSNP rs144809928, ClinGen allele CA5140241.
Genomic context (GRCh38, chr9:96,235,548, plus strand): 5'-TATGCCACATAGTGTGTCAGGAGCAGCCTTTGGAAGGCACCGCTGTAGAAGGCCCAGGCC[G>A]GGATCAGGCTCAGAAAGCCCGCCTTAAACAGAGAGAAGCATCAGTGTTGGGGAGGAAGGA-3'
Protein context (NP_000188.1, residues 272-292): EILAGFLSLI[Pro282Leu]AWAFYSGAFQ